The following is an entry in ClinVar:

NM_004606.5(TAF1):c.3773G>A (p.Arg1258His)

Gene: TAF1 (TATA-box binding protein associated factor 1; plus strand). Cytogenetic location: Xq13.1.
Variant type: single nucleotide variant.
Coding change: c.3773G>A on transcript NM_004606.5 (MANE Select); coding-DNA position 3773, G replaced by A.
Protein change: p.Arg1258His; replaces arginine 1258 with histidine.
Molecular consequence: missense variant. On other transcripts: non-coding transcript variant (9).
Genome position (GRCh38, 1-based): chrX:71,398,724, G>A. VCF-style: chrX-71398724-G-A. GRCh37 (hg19) VCF-style: chrX-70618574-G-A.
Other names: c.3773G>A, p.Arg1258His (NM_001286074.2); c.3710G>A, p.Arg1237His (NM_138923.4); short protein forms R1237H, R1258H.
Identifiers: ClinVar variation 3378163 (VCV003378163.1).
Genomic context (GRCh38, chrX:71,398,724, plus strand): 5'-ACCAGGAAAAGGAGAAGCTTAAGGGTCCTCCTGAGAAGAAGCCCAAGAAAATGAAGGAGC[G>A]TCCTGACCTAAAAGTAAGTATAATGTGGTGTGATTACAGCTAACGGAGCAAAGGAAGAAT-3'
Protein context (NP_004597.3, residues 1248-1268): PEKKPKKMKE[Arg1258His]PDLKLKCGAC

ClinVar aggregate classification (germline): Uncertain significance (1 of 4 stars; one submission).

gnomAD v4.1: 1 of 1,200,717 alleles (0.000083%); highest among the groups gnomAD compares: Non-Finnish European, 0.00011%; no homozygotes.

Submission:

GeneDx
Classification: Uncertain significance. Last evaluated: 2024-05-13. Review status: criteria provided, single submitter. Criteria: GeneDx Variant Classification Process June 2021. Collection method: clinical testing. Allele origin: germline. Affected: yes.
Comment: Not observed at significant frequency in large population cohorts (gnomAD); In silico analysis supports that this missense variant has a deleterious effect on protein structure/function; Has not been previously published as pathogenic or benign to our knowledge